The following is an entry in ClinVar:

ClinVar aggregate classification (germline): Likely benign (1 of 4 stars; one submission).

Allele frequency attached by ClinVar (database versions not stated): gnomAD 0.00001.
gnomAD v4.1: 2 of 1,613,796 alleles (0.00012%); highest among the groups gnomAD compares: East Asian, 0.0022%; no homozygotes.

Submission:

CeGaT Center for Human Genetics Tuebingen
Classification: Likely benign. Last evaluated: 2024-02-01. Review status: criteria provided, single submitter. Criteria: CeGaT Center For Human Genetics Tuebingen Variant Classification Criteria Version 2. Collection method: clinical testing. Allele origin: germline. Affected: yes. Observed: 1 variant allele.
Comment: GABRA1: BP4, BS2

NM_001127644.2(GABRA1):c.1105G>T (p.Ala369Ser)

Gene: GABRA1 (gamma-aminobutyric acid type A receptor subunit alpha1; plus strand). Cytogenetic location: 5q34.
Variant type: single nucleotide variant.
Coding change: c.1105G>T on transcript NM_001127644.2 (MANE Select); coding-DNA position 1105, G replaced by T.
Protein change: p.Ala369Ser; replaces alanine 369 with serine.
Molecular consequence: missense variant.
Genome position (GRCh38, 1-based): chr5:161,897,156, G>T. VCF-style: chr5-161897156-G-T. GRCh37 (hg19) VCF-style: chr5-161324162-G-T.
Other names: c.1105G>T, p.Ala369Ser (NM_000806.5, NM_001127643.2, NM_001127645.2 and 1 more transcripts); short protein forms A369S.
Identifiers: ClinVar variation 3027323 (VCV003027323.22), dbSNP rs775344663, ClinGen allele CA3544580.